The following is an entry in ClinVar:

NM_015206.3(MINAR1):c.84G>A (p.Gln28=)

Gene: MINAR1 (membrane integral NOTCH2 associated receptor 1; plus strand). Cytogenetic location: 15q25.1.
Variant type: single nucleotide variant.
Coding change: c.84G>A on transcript NM_015206.3 (MANE Select); coding-DNA position 84, G replaced by A.
Protein change: p.Gln28=; no amino-acid change (glutamine 28 retained).
Molecular consequence: synonymous variant.
Genome position (GRCh38, 1-based): chr15:79,456,231, G>A. VCF-style: chr15-79456231-G-A. GRCh37 (hg19) VCF-style: chr15-79748573-G-A.
Identifiers: ClinVar variation 778497 (VCV000778497.28), dbSNP rs61731598, ClinGen allele CA7689576.

ClinVar aggregate classification (germline): Benign/Likely benign. Review status: criteria provided, multiple submitters, no conflicts (2 of 4 stars). 3 submissions from 3 submitters: Benign (2); Likely benign (1). Last evaluated 2023-04-01.

Allele frequency attached by ClinVar (database versions not stated): 1000 Genomes Project 0.00120; 1000 Genomes Project 30x 0.00125; gnomAD 0.00378 and 0.00390; TOPMed 0.00401; gnomAD exomes 0.00440 and 0.00573; ExAC 0.00487; ESP Exome Variant Server 0.00547.
gnomAD v4.1: 8,898 of 1,614,054 alleles (0.55%); highest among the groups gnomAD compares: Non-Finnish European, 0.68%; 37 homozygotes.

Submissions (3):

CeGaT Center for Human Genetics Tuebingen
Classification: Likely benign. Last evaluated: 2023-04-01. Review status: criteria provided, single submitter. Criteria: CeGaT Center For Human Genetics Tuebingen Variant Classification Criteria Version 2. Collection method: clinical testing. Allele origin: germline. Affected: yes. Observed: 1 variant allele.
Comment: MINAR1: BP4, BP7, BS2

Labcorp Genetics (formerly Invitae), Labcorp
Classification: Benign. Last evaluated: 2018-05-02. Review status: criteria provided, single submitter. Criteria: Invitae Variant Classification Sherloc (09022015). Collection method: clinical testing. Allele origin: germline.

Breakthrough Genomics
Classification: Benign. Review status: criteria provided, single submitter. Criteria: ACMG Guidelines, 2015. Collection method: not provided. Allele origin: germline. Inheritance: Unknown mechanism. Affected: yes.